The following is an entry in ClinVar:

ClinVar aggregate classification (germline): Likely benign (1 of 4 stars; one submission).

Submission:

CeGaT Center for Human Genetics Tuebingen
Classification: Likely benign. Last evaluated: 2024-11-01. Review status: criteria provided, single submitter. Criteria: CeGaT Center For Human Genetics Tuebingen Variant Classification Criteria Version 2. Collection method: clinical testing. Allele origin: germline. Affected: yes. Observed: 1 variant allele.
Comment: HRNR: PM2:Supporting, BP4, BP7

NM_001009931.3(HRNR):c.8133T>A (p.Gly2711=)

Genes: CCDST (cervical cancer associated DHX9 suppressive transcript; plus strand), HRNR (hornerin; minus strand). Cytogenetic location: 1q21.3.
Variant type: single nucleotide variant.
Coding change: c.8133T>A on transcript NM_001009931.3 (MANE Select); coding-DNA position 8133, T replaced by A.
Protein change: p.Gly2711=; no amino-acid change (glycine 2711 retained).
Molecular consequence: synonymous variant.
Genome position (GRCh38, 1-based): chr1:152,213,496, A>T on the plus strand (T>A on the coding strand, the complement: HRNR is on the minus strand). VCF-style: chr1-152213496-A-T. GRCh37 (hg19) VCF-style: chr1-152185972-A-T.
Identifiers: ClinVar variation 3388750 (VCV003388750.14).